The following is an entry in ClinVar:

NM_006852.6(TLK2):c.1458C>A (p.His486Gln)

Gene: TLK2 (tousled like kinase 2; plus strand). Cytogenetic location: 17q23.2.
Variant type: single nucleotide variant.
Coding change: c.1458C>A on transcript NM_006852.6 (MANE Select); coding-DNA position 1458, C replaced by A.
Protein change: p.His486Gln; replaces histidine 486 with glutamine.
Molecular consequence: missense variant.
Genome position (GRCh38, 1-based): chr17:62,586,224, C>A. VCF-style: chr17-62586224-C-A. GRCh37 (hg19) VCF-style: chr17-60663585-C-A.
Other names: c.1524C>A, p.His508Gln (NM_001284333.3); c.1362C>A, p.His454Gln (NM_001284363.1, NM_001375272.1); c.1011C>A, p.His337Gln (NM_001330418.3, NM_001375273.1); c.1500C>A, p.His500Gln (NM_001375269.1); c.1458C>A, p.His486Gln (NM_001375270.1, NM_001375271.1); short protein forms H337Q, H454Q, H486Q, H500Q, H508Q.
Identifiers: ClinVar variation 1304936 (VCV001304936.2), dbSNP rs866444617, ClinGen allele CA292820631.
Genomic context (GRCh38, chr17:62,586,224, plus strand): 5'-AGCTGTGAAAATTCACCAGTTAAATAAAAACTGGAGAGATGAGAAAAAGGAGAATTACCA[C>A]AAGTAAGTGATACTTGAGTGTCTGACTTTTTAAAATTAAATAATACCTGTAGTTTGAGCA-3'
Protein context (NP_006843.2, residues 476-496): NWRDEKKENY[His486Gln]KHACREYRIH

ClinVar aggregate classification (germline): Uncertain significance (1 of 4 stars; one submission).

Allele frequency attached by ClinVar (database versions not stated): gnomAD exomes below 0.00001; TOPMed below 0.00001; gnomAD 0.00001.
gnomAD v4.1: 14 of 1,605,004 alleles (0.00087%); highest among the groups gnomAD compares: Non-Finnish European, 0.00094%; no homozygotes.

Submission:

GeneDx
Classification: Uncertain significance. Last evaluated: 2020-01-28. Review status: criteria provided, single submitter. Criteria: GeneDx Variant Classification Process June 2021. Collection method: clinical testing. Allele origin: germline. Affected: yes.
Comment: In silico analysis, which includes protein predictors and evolutionary conservation, supports a deleterious effect; Has not been previously published as pathogenic or benign to our knowledge